The following is an entry in ClinVar:

ClinVar aggregate classification (germline): Uncertain significance. Review status: criteria provided, multiple submitters, no conflicts (2 of 4 stars). 2 submissions from 2 submitters: Uncertain significance (2). Last evaluated 2025-01-07.

Conditions:
Inborn genetic diseases. Identifiers: MedGen C0950123, MeSH D030342.

Allele frequency attached by ClinVar (database versions not stated): ExAC 0.00015; gnomAD 0.00019; TOPMed 0.00026; ESP Exome Variant Server 0.00038; gnomAD exomes 0.00047.
gnomAD v4.1: 732 of 1,614,032 alleles (0.045%); highest among the groups gnomAD compares: Non-Finnish European, 0.057%; no homozygotes.

Submissions (2):

Ambry Genetics
Classification: Uncertain significance for Inborn genetic diseases. Last evaluated: 2025-01-07. Review status: criteria provided, single submitter. Criteria: Ambry Variant Classification Scheme 2023. Collection method: clinical testing. Allele origin: germline.

Labcorp Genetics (formerly Invitae), Labcorp
Classification: Uncertain significance. Last evaluated: 2024-12-23. Review status: criteria provided, single submitter. Criteria: Invitae Variant Classification Sherloc (09022015). Collection method: clinical testing. Allele origin: germline.
Comment: This sequence change replaces serine, which is neutral and polar, with threonine, which is neutral and polar, at codon 600 of the CEP63 protein (p.Ser600Thr). This variant is present in population databases (rs199974219, gnomAD 0.04%). This variant has not been reported in the literature in individuals affected with CEP63-related conditions. ClinVar contains an entry for this variant (Variation ID: 2146895). An algorithm developed to predict the effect of missense changes on protein structure and function (PolyPhen-2) suggests that this variant is likely to be disruptive. In summary, the available evidence is currently insufficient to determine the role of this variant in disease. Therefore, it has been classified as a Variant of Uncertain Significance.

NM_001353108.3(CEP63):c.1799G>C (p.Ser600Thr)

Gene: CEP63 (centrosomal protein 63; plus strand). Cytogenetic location: 3q22.2.
Variant type: single nucleotide variant.
Coding change: c.1799G>C on transcript NM_001353108.3 (MANE Select); coding-DNA position 1799, G replaced by C.
Protein change: p.Ser600Thr; replaces serine 600 with threonine.
Molecular consequence: missense variant. On other transcripts: non-coding transcript variant (3), intron variant (17).
Genome position (GRCh38, 1-based): chr3:134,559,275, G>C. VCF-style: chr3-134559275-G-C. GRCh37 (hg19) VCF-style: chr3-134278117-G-C.
Other names: c.1661G>C, p.Ser554Thr (NM_001353109.1); c.1799G>C, p.Ser600Thr (NM_025180.5); c.1467+7263G>C (NM_001353113.1, NM_001353117.2); c.1329+7263G>C (NM_001042384.2, NM_001353124.2, NM_001353123.2); c.1330-2102G>C (NM_001353122.1, NM_001042383.2, NM_001353121.2 and 2 more transcripts); c.1468-2102G>C (NM_001353110.1, NM_001353112.2, NM_001353111.2 and 1 more transcripts); c.1357-2102G>C (NM_001353118.1); c.967-2102G>C (NM_001353126.2); and 2 more; short protein forms S600T, S554T.
Identifiers: ClinVar variation 2146895 (VCV002146895.5), dbSNP rs199974219, ClinGen allele CA2628791.
Genomic context (GRCh38, chr3:134,559,275, plus strand): 5'-CTCCAAGAGGACAAGCGTCGGATAGTATAAACCCCATGTCTAGGGTGCTAAGCCCCCTGA[G>C]TCCTCAAATCAGCCCTTGCAGCTCCACCAGGTCTTTGACTTCCTACTCTCTATGTAAAAC-3'
Protein context (NP_001340037.1, residues 590-610): NPMSRVLSPL[Ser600Thr]PQISPCSSTR